The following is an entry in ClinVar:

NM_001288705.3(CSF1R):c.684C>T (p.Ser228=)

Genes: CSF1R (colony stimulating factor 1 receptor; minus strand), LOC111188154 (RORalpha allelically-responsive CSF1R enhancer; plus strand). Cytogenetic location: 5q32.
Variant type: single nucleotide variant.
Coding change: c.684C>T on transcript NM_001288705.3 (MANE Select); coding-DNA position 684, C replaced by T.
Protein change: p.Ser228=; no amino-acid change (serine 228 retained).
Molecular consequence: synonymous variant. On other transcripts: non-coding transcript variant (2).
Genome position (GRCh38, 1-based): chr5:150,078,157, G>A on the plus strand (C>T on the coding strand, the complement: CSF1R is on the minus strand). VCF-style: chr5-150078157-G-A. GRCh37 (hg19) VCF-style: chr5-149457720-G-A.
Other names: c.684C>T, p.Ser228= (NM_001349736.2, NM_001375320.1, NM_005211.4); c.240C>T, p.Ser80= (NM_001375321.1).
Identifiers: ClinVar variation 3033679 (VCV003033679.2), dbSNP rs766614948, ClinGen allele CA3507111.

ClinVar aggregate classification (germline): Likely benign (0 of 4 stars; one submission).

Conditions:
CSF1R-related disorder. Also called: CSF1R-related condition. Identifiers: MedGen CN379780, MONDO:0100632.

Allele frequency attached by ClinVar (database versions not stated): TOPMed below 0.00001; ExAC 0.00001; gnomAD 0.00001.
gnomAD v4.1: 7 of 1,614,122 alleles (0.00043%); highest among the groups gnomAD compares: East Asian, 0.0045%; no homozygotes.

Submission:

PreventionGenetics, part of Exact Sciences
Classification: Likely benign for CSF1R-related condition. Last evaluated: 2019-06-13. Review status: no assertion criteria provided. Collection method: clinical testing. Allele origin: germline.
Comment: This variant is classified as likely benign based on ACMG/AMP sequence variant interpretation guidelines (Richards et al. 2015 PMID: 25741868, with internal and published modifications).